The following is an entry in ClinVar:

ClinVar aggregate classification (germline): Uncertain significance (1 of 4 stars; one submission).

Submission:

Women's Health and Genetics/Laboratory Corporation of America, LabCorp
Classification: Uncertain significance. Last evaluated: 2025-09-10. Review status: criteria provided, single submitter. Criteria: LabCorp Variant Classification Summary - May 2015. Collection method: clinical testing. Allele origin: germline.
Comment: Variant summary: PCNA c.71A>G (p.Asn24Ser) results in a conservative amino acid change in the encoded protein sequence. Algorithms developed to predict the effect of missense changes on protein structure and function are either unavailable or do not agree on the potential impact of this missense change. The variant allele was found at a frequency of 2.7e-05 in 219736 control chromosomes. The available data on variant occurrences in the general population are insufficient to allow any conclusion about variant significance. To our knowledge, no occurrence of c.71A>G in individuals affected with PCNA-related conditions and no experimental evidence demonstrating its impact on protein function have been reported. No submitters have cited clinical-significance assessments for this variant to ClinVar. Based on the evidence outlined above, the variant was classified as uncertain significance.

NM_182649.2(PCNA):c.71A>G (p.Asn24Ser)

Genes: PCNA (proliferating cell nuclear antigen; minus strand), PCNA-AS1 (PCNA antisense RNA 1; plus strand). Cytogenetic location: 20p12.3.
Variant type: single nucleotide variant.
Coding change: c.71A>G on transcript NM_182649.2 (MANE Select); coding-DNA position 71, A replaced by G.
Protein change: p.Asn24Ser; replaces asparagine 24 with serine.
Molecular consequence: missense variant. On other transcripts: non-coding transcript variant (1).
Genome position (GRCh38, 1-based): chr20:5,119,728, T>C on the plus strand (A>G on the coding strand, the complement: PCNA is on the minus strand). VCF-style: chr20-5119728-T-C. GRCh37 (hg19) VCF-style: chr20-5100374-T-C.
Other names: c.71A>G, p.Asn24Ser (NM_002592.2); short protein forms N24S.
Identifiers: ClinVar variation 4535615 (VCV004535615.1).